The following is an entry in ClinVar:

NM_002381.5(MATN3):c.392T>C (p.Val131Ala)

Gene: MATN3 (matrilin 3; minus strand). Cytogenetic location: 2p24.1.
Variant type: single nucleotide variant.
Coding change: c.392T>C on transcript NM_002381.5 (MANE Select); coding-DNA position 392, T replaced by C.
Protein change: p.Val131Ala; replaces valine 131 with alanine.
Molecular consequence: missense variant.
Genome position (GRCh38, 1-based): chr2:20,006,142, A>G on the plus strand (T>C on the coding strand, the complement: MATN3 is on the minus strand). VCF-style: chr2-20006142-A-G. GRCh37 (hg19) VCF-style: chr2-20205903-A-G.
Other names: short protein forms V131A.
Identifiers: ClinVar variation 3870793 (VCV003870793.2).

ClinVar aggregate classification (germline): Uncertain significance. Review status: criteria provided, multiple submitters, no conflicts (2 of 4 stars). 2 submissions from 2 submitters: Uncertain significance (2). Last evaluated 2025-03-24.

Conditions:
Inborn genetic diseases. Identifiers: MedGen C0950123, MeSH D030342.

gnomAD v4.1: 6 of 1,613,880 alleles (0.00037%); highest among the groups gnomAD compares: Admixed American, 0.0067%; no homozygotes.

Submissions (2):

Labcorp Genetics (formerly Invitae), Labcorp
Classification: Uncertain significance. Last evaluated: 2025-03-24. Review status: criteria provided, single submitter. Criteria: Invitae Variant Classification Sherloc (09022015). Collection method: clinical testing. Allele origin: germline.
Comment: This sequence change replaces valine, which is neutral and non-polar, with alanine, which is neutral and non-polar, at codon 131 of the MATN3 protein (p.Val131Ala). This variant is present in population databases (rs746475135, gnomAD 0.006%). This variant has not been reported in the literature in individuals affected with MATN3-related conditions. Invitae Evidence Modeling of protein sequence and biophysical properties (such as structural, functional, and spatial information, amino acid conservation, physicochemical variation, residue mobility, and thermodynamic stability) indicates that this missense variant is not expected to disrupt MATN3 protein function with a negative predictive value of 80%. In summary, the available evidence is currently insufficient to determine the role of this variant in disease. Therefore, it has been classified as a Variant of Uncertain Significance.

Ambry Genetics
Classification: Uncertain significance for Inborn genetic diseases. Last evaluated: 2025-03-03. Review status: criteria provided, single submitter. Criteria: Ambry Variant Classification Scheme 2023. Collection method: clinical testing. Allele origin: germline.